The following is an entry in ClinVar:

NM_014159.7(SETD2):c.1205G>A (p.Arg402Gln)

Gene: SETD2 (SET domain containing 2, histone lysine methyltransferase; minus strand). Cytogenetic location: 3p21.31.
Variant type: single nucleotide variant.
Coding change: c.1205G>A on transcript NM_014159.7 (MANE Select); coding-DNA position 1205, G replaced by A.
Protein change: p.Arg402Gln; replaces arginine 402 with glutamine.
Molecular consequence: missense variant. On other transcripts: non-coding transcript variant (1).
Genome position (GRCh38, 1-based): chr3:47,123,431, C>T on the plus strand (G>A on the coding strand, the complement: SETD2 is on the minus strand). VCF-style: chr3-47123431-C-T. GRCh37 (hg19) VCF-style: chr3-47164921-C-T.
Other names: c.1073G>A, p.Arg358Gln (NM_001349370.3); short protein forms R402Q, R358Q.
Identifiers: ClinVar variation 767586 (VCV000767586.14), dbSNP rs182736967, ClinGen allele CA2363702.
Genomic context (GRCh38, chr3:47,123,431, plus strand): 5'-GACCTGGAATAGGATAAATTAGTTCTAGAGCCTCTCTCAGACCTAGAGTGAGATCTGCTC[C>T]GCCGTCGCTCTCTTTCTGATCTACATCGGGAAGATACATACCGAGTATCTCTTTCAAGTT-3'
Protein context (NP_054878.5, residues 392-412): SRCRSERERR[Arg402Gln]SRSHSRSERG

ClinVar aggregate classification (germline): Benign/Likely benign. Review status: criteria provided, multiple submitters, no conflicts (2 of 4 stars). 5 submissions from 5 submitters: Benign (3); Likely benign (2). Last evaluated 2025-11-19.

Conditions:
SETD2-related disorder.
Luscan-Lumish syndrome. Identifiers: Orphanet 597738, MedGen C4085873, MONDO:0014791, OMIM 616831.
Inborn genetic diseases. Identifiers: MedGen C0950123, MeSH D030342.

Allele frequency attached by ClinVar (database versions not stated): gnomAD exomes 0.00004 and 0.00010; ExAC 0.00018; gnomAD 0.00035 and 0.00036; TOPMed 0.00037; ESP Exome Variant Server 0.00066; 1000 Genomes Project 30x 0.00094; 1000 Genomes Project 0.00100.
gnomAD v4.1: 112 of 1,551,542 alleles (0.0072%); highest among the groups gnomAD compares: African/African-American, 0.11%; no homozygotes.

Submissions (5):

PreventionGenetics, part of Exact Sciences
Classification: Likely benign for SETD2-related condition. Last evaluated: 2025-11-19. Review status: criteria provided, single submitter. Criteria: ACMG Guidelines, 2015. Collection method: clinical testing. Allele origin: germline.
Comment: This variant is classified as likely benign based on ACMG/AMP sequence variant interpretation guidelines (Richards et al. 2015 PMID: 25741868, with internal and published modifications).

Ambry Genetics
Classification: Likely benign for Inborn genetic diseases. Last evaluated: 2023-09-25. Review status: criteria provided, single submitter. Criteria: Ambry Variant Classification Scheme 2023. Collection method: clinical testing. Allele origin: germline.

Labcorp Genetics (formerly Invitae), Labcorp
Classification: Benign for Luscan-Lumish syndrome. Last evaluated: 2022-12-25. Review status: criteria provided, single submitter. Criteria: Invitae Variant Classification Sherloc (09022015). Collection method: clinical testing. Allele origin: germline.

Genome-Nilou Lab
Classification: Benign for Luscan-Lumish syndrome. Last evaluated: 2022-03-15. Review status: criteria provided, single submitter. Criteria: ACMG Guidelines, 2015. Collection method: clinical testing. Allele origin: germline. Affected: no.

GeneDx
Classification: Benign. Last evaluated: 2020-11-04. Review status: criteria provided, single submitter. Criteria: GeneDx Variant Classification Process June 2021. Collection method: clinical testing. Allele origin: germline. Affected: yes.